The following is an entry in ClinVar:

NM_001370259.2(MEN1):c.1050-10G>A

Gene: MEN1 (menin 1; minus strand). Cytogenetic location: 11q13.1.
Variant type: single nucleotide variant.
Coding change: c.1050-10G>A on transcript NM_001370259.2 (MANE Select); 10 bases into the intron before coding-DNA position 1050, G replaced by A.
Molecular consequence: intron variant.
Genome position (GRCh38, 1-based): chr11:64,805,780, C>T on the plus strand (G>A on the coding strand, the complement: MEN1 is on the minus strand). VCF-style: chr11-64805780-C-T. GRCh37 (hg19) VCF-style: chr11-64573252-C-T.
Other names: c.1065-10G>A (NM_130804.3, NM_130803.3, NM_000244.4 and 4 more transcripts); c.945-10G>A (NM_001407148.1, NM_001407149.1, NM_001370263.2 and 1 more transcripts); c.1050-10G>A (NM_130799.3, NM_001370260.2, NM_001407152.1 and 3 more transcripts); c.1176-10G>A (NM_001407144.1, NM_001370251.2, NM_001407142.1 and 1 more transcripts); c.1071-10G>A (NM_001407151.1); c.1191-10G>A (NM_001407150.1).
Identifiers: ClinVar variation 3014679 (VCV003014679.4), dbSNP rs2497161819, ClinGen allele CA2740093058.

ClinVar aggregate classification (germline): Likely benign. Review status: criteria provided, multiple submitters, no conflicts (2 of 4 stars). 2 submissions from 2 submitters: Likely benign (2). Last evaluated 2025-05-11.

Conditions:
Multiple endocrine neoplasia, type 1 (MEN1). Also called: MEN I; WERMER SYNDROME; Endocrine adenomatosis multiple; MEN 1; MEA I. Identifiers: Orphanet 652, MedGen C0025267, MeSH D018761, MONDO:0007540, OMIM 131100.

Submissions (2):

Labcorp Genetics (formerly Invitae), Labcorp
Classification: Likely benign for Multiple endocrine neoplasia, type 1. Last evaluated: 2025-05-11. Review status: criteria provided, single submitter. Criteria: Invitae Variant Classification Sherloc (09022015). Collection method: clinical testing. Allele origin: germline.

Myriad Genetics, Inc.
Classification: Likely benign for Multiple endocrine neoplasia, type 1. Last evaluated: 2024-11-04. Review status: criteria provided, single submitter. Criteria: Myriad Autosomal Dominant, Autosomal Recessive and X-Linked Classification Criteria (2023). Collection method: clinical testing. Allele origin: unknown.
Comment: This variant is considered likely benign. This variant is intronic and is not expected to impact mRNA splicing.